The following is an entry in ClinVar:

NM_000474.4(TWIST1):c.341A>C (p.Asn114Thr)

Gene: TWIST1 (twist family bHLH transcription factor 1; minus strand). Cytogenetic location: 7p21.1.
Variant type: single nucleotide variant.
Coding change: c.341A>C on transcript NM_000474.4 (MANE Select); coding-DNA position 341, A replaced by C.
Protein change: p.Asn114Thr; replaces asparagine 114 with threonine.
Molecular consequence: missense variant. On other transcripts: non-coding transcript variant (1).
Genome position (GRCh38, 1-based): chr7:19,116,981, T>G on the plus strand (A>C on the coding strand, the complement: TWIST1 is on the minus strand). VCF-style: chr7-19116981-T-G. GRCh37 (hg19) VCF-style: chr7-19156604-T-G.
Other names: short protein forms N114T.
Identifiers: ClinVar variation 543073 (VCV000543073.9), dbSNP rs1554442021, ClinGen allele CA367015646.

ClinVar aggregate classification (germline): Conflicting classifications of pathogenicity. Review status: criteria provided, conflicting classifications (1 of 4 stars). 2 submissions from 2 submitters: Likely pathogenic (1); Uncertain significance (1). Last evaluated 2025-02-19.

Conditions:
Saethre-Chotzen syndrome (SCS). Also called: CHOTZEN SYNDROME; ACROCEPHALY, SKULL ASYMMETRY, AND MILD SYNDACTYLY; ACS III. Identifiers: Orphanet 794, MedGen C0175699, MONDO:0007042, OMIM 101400.
TWIST1-related craniosynostosis (CRS1). Also called: CRANIOSYNOSTOSIS 1. Identifiers: Orphanet 63440, MedGen C4551902, MONDO:0007399, OMIM 123100. Inheritance: Heterogenous inheritance pattern.

Submissions (2):

3billion
Classification: Likely pathogenic for Saethre-Chotzen syndrome. Last evaluated: 2025-02-19. Review status: criteria provided, single submitter. Criteria: ACMG Guidelines, 2015. Collection method: clinical testing. Allele origin: germline. Affected: yes.
Comment: The variant is not observed in the gnomAD v4.1.0 dataset. Predicted Consequence/Location: The variant is located in a mutational hot spot and/or well-established functional domain in which established pathogenic variants have been reported (PMID: 21876555). In silico tool predictions suggest damaging effect of the variant on gene or gene product [REVEL: 0.92 (>=0.6, sensitivity 0.68 and specificity 0.92)]. Different missense changes at the same codon (p.Asn114Asp, p.Asn114Ser) have been reported to be associated with TWIST1-related disorder (PMID: 15923834, 19483581). Therefore, this variant is classified as Likely pathogenic according to the recommendation of ACMG/AMP guideline.

Labcorp Genetics (formerly Invitae), Labcorp
Classification: Uncertain significance for TWIST1-related craniosynostosis; Saethre-Chotzen syndrome. Last evaluated: 2017-09-27. Review status: criteria provided, single submitter. Criteria: Invitae Variant Classification Sherloc (09022015). Collection method: clinical testing. Allele origin: germline.
Comment: In summary, the available evidence is currently insufficient to determine the role of this variant in disease. Therefore, it has been classified as a Variant of Uncertain Significance. Algorithms developed to predict the effect of missense changes on protein structure and function (SIFT, PolyPhen-2, Align-GVGD) all suggest that this variant is likely to be disruptive, but these predictions have not been confirmed by published functional studies and their clinical significance is uncertain. This variant has been reported in the literature in an individual with brachicephaly (PMID: 17693524) This variant is not present in population databases (ExAC no frequency). This sequence change replaces asparagine with threonine at codon 114 of the TWIST1 protein (p.Asn114Thr). The asparagine residue is highly conserved and there is a small physicochemical difference between asparagine and threonine.

Literature cited by the submitters: PubMed 15923834 (cited by 3billion); PubMed 17693524 (cited by Labcorp Genetics (formerly Invitae), Labcorp).